The following is an entry in ClinVar:

ClinVar aggregate classification (germline): Pathogenic/Likely pathogenic. Review status: criteria provided, multiple submitters, no conflicts (2 of 4 stars). 9 submissions from 8 submitters: Pathogenic (6); Likely pathogenic (2). 1 of the submissions does not count toward it. Last evaluated 2025-04-28.

Conditions:
USH2A-related disorder. Also called: USH2A-related disorders; USH2A-related condition. Identifiers: MedGen CN239332.
Retinal dystrophy. Also called: Inherited retinal dystrophy. Identifiers: Orphanet 71862, MedGen C0854723, MeSH D058499, MONDO:0019118, HP:0000556.
Usher syndrome type 2A. Also called: RETINAL DISEASE IN USHER SYNDROME TYPE IIA, MODIFIER OF; USHER SYNDROME, TYPE IIA. Identifiers: Orphanet 231178, Orphanet 886, MedGen C1848634, MONDO:0010169, OMIM 276901.
Retinitis pigmentosa 39 (RP39). Identifiers: Orphanet 791, MedGen C3151138, MONDO:0013436, OMIM 613809.

Allele frequency attached by ClinVar (database versions not stated): gnomAD exomes below 0.00001; TOPMed below 0.00001.

Submissions (9):

Labcorp Genetics (formerly Invitae), Labcorp
Classification: Pathogenic. Last evaluated: 2025-04-28. Review status: criteria provided, single submitter. Criteria: Invitae Variant Classification Sherloc (09022015). Collection method: clinical testing. Allele origin: germline.
Comment: This sequence change creates a premature translational stop signal (p.Glu4078*) in the USH2A gene. It is expected to result in an absent or disrupted protein product. Loss-of-function variants in USH2A are known to be pathogenic (PMID: 10729113, 10909849, 20507924, 25649381). This variant is present in population databases (no rsID available, gnomAD 0.0009%). This premature translational stop signal has been observed in individuals with Usher syndrome (PMID: 26969326, 28559085). ClinVar contains an entry for this variant (Variation ID: 553479). For these reasons, this variant has been classified as Pathogenic.

Natera, Inc.
Classification: Pathogenic for Usher syndrome type 2A. Last evaluated: 2024-03-26. Review status: criteria provided, single submitter. Criteria: Natera Variant Classification Schema (03/2026). Collection method: clinical testing. Allele origin: germline.
Comment: The c.12232G>T variant in USH2A is a nonsense variant predicted to introduce a stop codon at amino acid 4078. This variant is expected to result in nonsense mediated decay, truncation, or a dysfunctional protein product. This variant is rare in the general population with a frequency below the threshold expected for the associated phenotype(s). This variant has been observed in one or more individuals affected with the associated recessive disease, as either homozygous or compound heterozygous with a second variant (PMID: 28559085). Given the available evidence, this variant is classified as Pathogenic.

Baylor Genetics
Classification: Pathogenic for Retinitis pigmentosa 39. Last evaluated: 2024-03-12. Review status: criteria provided, single submitter. Criteria: ACMG Guidelines, 2015. Collection method: clinical testing. Allele origin: unknown.

Genome-Nilou Lab
Classification: Likely pathogenic for Retinitis pigmentosa 39. Last evaluated: 2023-11-04. Review status: criteria provided, single submitter. Criteria: ACMG Guidelines, 2015. Collection method: clinical testing. Allele origin: germline. Affected: no.

Genome-Nilou Lab
Classification: Likely pathogenic for Usher syndrome type 2A. Last evaluated: 2023-11-04. Review status: criteria provided, single submitter. Criteria: ACMG Guidelines, 2015. Collection method: clinical testing. Allele origin: germline. Affected: no.

Institute of Human Genetics, Univ. Regensburg, Univ. Regensburg
Classification: Pathogenic for Retinal dystrophy. Last evaluated: 2021-01-01. Review status: criteria provided, single submitter. Criteria: ACMG Guidelines, 2015. Collection method: clinical testing. Allele origin: germline. Affected: yes.

Institute of Medical Genetics and Applied Genomics, University Hospital Tübingen
Classification: Pathogenic. Last evaluated: 2020-10-23. Review status: criteria provided, single submitter. Criteria: ACMG Guidelines, 2015. Collection method: clinical testing. Allele origin: germline. Inheritance: Autosomal recessive inheritance. Affected: yes.

Blueprint Genetics
Classification: Pathogenic for USH2A-related disorders. Last evaluated: 2019-05-02. Review status: criteria provided, single submitter. Criteria: ACMG Guidelines, 2015. Collection method: clinical testing. Allele origin: germline. Affected: yes. Observed: 3 variant alleles.

Counsyl
Classification: Likely pathogenic for Usher syndrome type 2A; Retinitis pigmentosa 39. Last evaluated: 2017-08-28. Review status: no assertion criteria provided. Collection method: clinical testing. Allele origin: unknown. Not counted in ClinVar's aggregate classification.

Literature cited by the submitters: PubMed 10729113 (cited by Labcorp Genetics (formerly Invitae), Labcorp); PubMed 10909849 (cited by Labcorp Genetics (formerly Invitae), Labcorp); PubMed 20507924 (cited by Labcorp Genetics (formerly Invitae), Labcorp); PubMed 25649381 (cited by Labcorp Genetics (formerly Invitae), Labcorp); PubMed 26969326 (cited by 3 submitters); PubMed 28559085 (cited by 3 submitters); PubMed 35266249 (cited by Institute of Human Genetics, Univ. Regensburg, Univ. Regensburg).

NM_206933.4(USH2A):c.12232G>T (p.Glu4078Ter)

Gene: USH2A (usherin; minus strand). Cytogenetic location: 1q41.
Variant type: single nucleotide variant.
Coding change: c.12232G>T on transcript NM_206933.4 (MANE Select); coding-DNA position 12232, G replaced by T.
Protein change: p.Glu4078Ter; replaces glutamic acid 4078 with a stop codon.
Molecular consequence: nonsense.
Genome position (GRCh38, 1-based): chr1:215,680,211, C>A on the plus strand (G>T on the coding strand, the complement: USH2A is on the minus strand). VCF-style: chr1-215680211-C-A. GRCh37 (hg19) VCF-style: chr1-215853553-C-A.
Other names: short protein forms E4078*.
Identifiers: ClinVar variation 553479 (VCV000553479.22), dbSNP rs988693758, ClinGen allele CA37358034.
Genomic context (GRCh38, chr1:215,680,211, plus strand): 5'-TAATCACACCATTGGTTCTCATAGGTTCTGACCACTGTAGTAGCAATGCCCGGCCATTCT[C>A]TTTCTGTTCTACTATAAAGTTTCTCAGTCCACTTGGGGAAGATTCTAAGGTTTGAATCAG-3'